The following is an entry in ClinVar:

ClinVar aggregate classification (germline): Uncertain significance (1 of 4 stars; one submission).

Conditions:
Primary ciliary dyskinesia. Also called: Ciliary dyskinesia. Identifiers: Orphanet 244, MedGen C0008780, MONDO:0016575, HP:0012265.

Allele frequency attached by ClinVar (database versions not stated): TOPMed below 0.00001.

Submission:

Labcorp Genetics (formerly Invitae), Labcorp
Classification: Uncertain significance for Primary ciliary dyskinesia. Last evaluated: 2020-03-10. Review status: criteria provided, single submitter. Criteria: Invitae Variant Classification Sherloc (09022015). Collection method: clinical testing. Allele origin: germline.
Comment: This sequence change replaces valine with isoleucine at codon 2560 of the DNAH8 protein (p.Val2560Ile). The valine residue is weakly conserved and there is a small physicochemical difference between valine and isoleucine. This variant is not present in population databases (ExAC no frequency). This variant has not been reported in the literature in individuals with DNAH8-related conditions. Algorithms developed to predict the effect of missense changes on protein structure and function are either unavailable or do not agree on the potential impact of this missense change (SIFT: "Tolerated"; PolyPhen-2: "Not Available"; Align-GVGD: "Class C0"). In summary, the available evidence is currently insufficient to determine the role of this variant in disease. Therefore, it has been classified as a Variant of Uncertain Significance.

NM_001206927.2(DNAH8):c.7678G>A (p.Val2560Ile)

Gene: DNAH8 (dynein axonemal heavy chain 8; plus strand). Cytogenetic location: 6p21.2.
Variant type: single nucleotide variant.
Coding change: c.7678G>A on transcript NM_001206927.2 (MANE Select); coding-DNA position 7678, G replaced by A.
Protein change: p.Val2560Ile; replaces valine 2560 with isoleucine.
Molecular consequence: missense variant.
Genome position (GRCh38, 1-based): chr6:38,875,648, G>A. VCF-style: chr6-38875648-G-A. GRCh37 (hg19) VCF-style: chr6-38843424-G-A.
Other names: c.7027G>A, p.Val2343Ile (NM_001371.4); short protein forms V2343I, V2560I.
Identifiers: ClinVar variation 1044258 (VCV001044258.9), dbSNP rs1777940777, ClinGen allele CA364029069.